The following is an entry in ClinVar:

ClinVar aggregate classification (germline): Uncertain significance (1 of 4 stars; one submission).

Conditions:
Duchenne muscular dystrophy (DMD). Also called: MUSCULAR DYSTROPHY, PSEUDOHYPERTROPHIC PROGRESSIVE, DUCHENNE TYPE; Duchenne Muscular Dystrophy (DMD). Identifiers: Orphanet 98896, MedGen C0013264, MONDO:0010679, OMIM 310200.

Allele frequency attached by ClinVar (database versions not stated): gnomAD exomes below 0.00001.
gnomAD v4.1: 1 of 1,210,606 alleles (0.000083%); highest among the groups gnomAD compares: African/African-American, 0.0017%; no homozygotes.

Submission:

Labcorp Genetics (formerly Invitae), Labcorp
Classification: Uncertain significance for Duchenne muscular dystrophy. Last evaluated: 2023-03-29. Review status: criteria provided, single submitter. Criteria: Invitae Variant Classification Sherloc (09022015). Collection method: clinical testing. Allele origin: germline.
Comment: This variant has not been reported in the literature in individuals affected with DMD-related conditions. In summary, the available evidence is currently insufficient to determine the role of this variant in disease. Therefore, it has been classified as a Variant of Uncertain Significance. Advanced modeling of protein sequence and biophysical properties (such as structural, functional, and spatial information, amino acid conservation, physicochemical variation, residue mobility, and thermodynamic stability) performed at Invitae indicates that this missense variant is not expected to disrupt DMD protein function. This variant is present in population databases (no rsID available, gnomAD 0.001%). This sequence change replaces threonine, which is neutral and polar, with alanine, which is neutral and non-polar, at codon 1948 of the DMD protein (p.Thr1948Ala).

NM_004006.3(DMD):c.5842A>G (p.Thr1948Ala)

Gene: DMD (dystrophin; minus strand). Cytogenetic location: Xp21.1.
Variant type: single nucleotide variant.
Coding change: c.5842A>G on transcript NM_004006.3 (MANE Select); coding-DNA position 5842, A replaced by G.
Protein change: p.Thr1948Ala; replaces threonine 1948 with alanine.
Molecular consequence: missense variant.
Genome position (GRCh38, 1-based): chrX:32,342,180, T>C on the plus strand (A>G on the coding strand, the complement: DMD is on the minus strand). VCF-style: chrX-32342180-T-C. GRCh37 (hg19) VCF-style: chrX-32360297-T-C.
Other names: c.5818A>G, p.Thr1940Ala (NM_000109.4); c.5830A>G, p.Thr1944Ala (NM_004009.3); c.5473A>G, p.Thr1825Ala (NM_004010.3); c.1819A>G, p.Thr607Ala (NM_004011.4); c.1810A>G, p.Thr604Ala (NM_004012.4); short protein forms T1948A, T607A, T1825A, T1944A, T1940A, T604A.
Identifiers: ClinVar variation 2878311 (VCV002878311.3), dbSNP rs1463348902, ClinGen allele CA412664985.